The following is an entry in ClinVar:

NM_017739.4(POMGNT1):c.1425G>T (p.Trp475Cys)

Genes: POMGNT1 (protein O-linked mannose N-acetylglucosaminyltransferase 1 (beta 1,2-); minus strand), TSPAN1 (tetraspanin 1; plus strand). Cytogenetic location: 1p34.1.
Variant type: single nucleotide variant.
Coding change: c.1425G>T on transcript NM_017739.4 (MANE Select); coding-DNA position 1425, G replaced by T.
Protein change: p.Trp475Cys; replaces tryptophan 475 with cysteine.
Molecular consequence: missense variant.
Genome position (GRCh38, 1-based): chr1:46,192,212, C>A on the plus strand (G>T on the coding strand, the complement: POMGNT1 is on the minus strand). VCF-style: chr1-46192212-C-A. GRCh37 (hg19) VCF-style: chr1-46657884-C-A.
Other names: c.1359G>T, p.Trp453Cys (NM_001438691.1, NM_001438692.1, NM_001290129.3); c.1425G>T, p.Trp475Cys (NM_001243766.2, NM_001410783.1, NM_001437653.1 and 3 more transcripts); c.996G>T, p.Trp332Cys (NM_001290130.2); short protein forms W332C, W453C, W475C.
Identifiers: ClinVar variation 4848986 (VCV004848986.1).

ClinVar aggregate classification (germline): Uncertain significance (1 of 4 stars; one submission).

Submission:

Women's Health and Genetics/Laboratory Corporation of America, LabCorp
Classification: Uncertain significance. Last evaluated: 2026-04-01. Review status: criteria provided, single submitter. Criteria: LabCorp Variant Classification Summary - May 2015. Collection method: clinical testing. Allele origin: germline.
Comment: Variant summary: POMGNT1 c.1425G>T (p.Trp475Cys) results in a non-conservative amino acid change in the encoded protein sequence. Algorithms developed to predict the effect of missense changes on protein structure and function all suggest that this variant is likely to be disruptive. The variant was absent in 251496 control chromosomes (gnomAD). The available data on variant occurrences in the general population are insufficient to allow any conclusion about variant significance. c.1425G>T has been observed in an individual(s) affected with Muscular dystrophy-dystroglycanopathy (congenital with brain and eye anomalies), type A3 (Song_2021). These data do not allow any conclusion about variant significance. To our knowledge, no experimental evidence demonstrating an impact on protein function has been reported. The following publication has been ascertained in the context of this evaluation (PMID: 33200426). No submitters have cited clinical-significance assessments for this variant to ClinVar. Based on the evidence outlined above, the variant was classified as uncertain significance.

Literature cited by the submitters: PubMed 33200426.